The following is an entry in ClinVar:

ClinVar aggregate classification (germline): Uncertain significance (1 of 4 stars; one submission).

Submission:

Ambry Genetics
Classification: Uncertain significance. Last evaluated: 2025-07-29. Review status: criteria provided, single submitter. Criteria: Ambry Variant Classification Scheme 2023. Collection method: clinical testing. Allele origin: germline.
Comment: The p.F859C variant (also known as c.2576T>G), located in coding exon 1 of the MLH3 gene, results from a T to G substitution at nucleotide position 2576. The phenylalanine at codon 859 is replaced by cysteine, an amino acid with highly dissimilar properties. This amino acid position is conserved. In addition, this alteration is predicted to be tolerated by in silico analysis. Based on the available evidence, the clinical significance of this variant remains unclear.

NM_001040108.2(MLH3):c.2576T>G (p.Phe859Cys)

Gene: MLH3 (mutL homolog 3; minus strand). Cytogenetic location: 14q24.3.
Variant type: single nucleotide variant.
Coding change: c.2576T>G on transcript NM_001040108.2 (MANE Select); coding-DNA position 2576, T replaced by G.
Protein change: p.Phe859Cys; replaces phenylalanine 859 with cysteine.
Molecular consequence: missense variant.
Genome position (GRCh38, 1-based): chr14:75,047,080, A>C on the plus strand (T>G on the coding strand, the complement: MLH3 is on the minus strand). VCF-style: chr14-75047080-A-C. GRCh37 (hg19) VCF-style: chr14-75513783-A-C.
Other names: c.2576T>G, p.Phe859Cys (NM_014381.3); short protein forms F859C.
Identifiers: ClinVar variation 4108596 (VCV004108596.1).
Genomic context (GRCh38, chr14:75,047,080, plus strand): 5'-CTGGATAATTTAGAGGCTAGTGATTCAGATGACTTCTCAAGGTCCAAAGGTTTTCTATTA[A>C]AGAGAGATAACTCCTTCAGGGTCATAGGACTTTCTCTCAAACTAGGCATCTGTTGTTCTA-3'
Protein context (NP_001035197.1, residues 849-869): SPMTLKELSL[Phe859Cys]NRKPLDLEKS